The following is an entry in ClinVar:

NM_001370100.5(ZMYND11):c.1793G>C (p.Cys598Ser)

Gene: ZMYND11 (zinc finger MYND-type containing 11; plus strand). Cytogenetic location: 10p15.3.
Variant type: single nucleotide variant.
Coding change: c.1793G>C on transcript NM_001370100.5 (MANE Select); coding-DNA position 1793, G replaced by C.
Protein change: p.Cys598Ser; replaces cysteine 598 with serine.
Molecular consequence: missense variant. On other transcripts: non-coding transcript variant (1).
Genome position (GRCh38, 1-based): chr10:252,454, G>C. VCF-style: chr10-252454-G-C. GRCh37 (hg19) VCF-style: chr10-298394-G-C.
Other names: c.1631G>C, p.Cys544Ser (NM_001202464.3, NM_001370103.2, NM_001370104.2 and 5 more transcripts); c.1538G>C, p.Cys513Ser (NM_001202465.3, NM_001370110.2); c.1628G>C, p.Cys543Ser (NM_001202466.3, NM_001370111.2); c.1742G>C, p.Cys581Ser (NM_001330057.3, NM_001370112.2); c.1793G>C, p.Cys598Ser (NM_001370097.3, NM_001370098.2, NM_001370099.2 and 3 more transcripts); c.1700G>C, p.Cys567Ser (NM_001370113.2, NM_001370114.2); c.1790G>C, p.Cys597Ser (NM_001370115.2); c.1727G>C, p.Cys576Ser (NM_001370116.2); and 8 more; short protein forms C441S, C479S, C496S, C504S, C513S, C522S, C543S, C544S.
Identifiers: ClinVar variation 976009 (VCV000976009.1), dbSNP rs1953701770, ClinGen allele CA375824694.
Genomic context (GRCh38, chr10:252,454, plus strand): 5'-CATCCTACTGCTCCATCAAGTGCCAGCAGGAGCACTGGCACGCGGAGCACAAGCGCACCT[G>C]CCGCCGGAAAAGATGAAGCTGGCCCTTCCCGGAGTCACCCCGATGATTACTCTTTTCAGA-3'
Protein context (NP_001357029.1, residues 588-602): EHWHAEHKRT[Cys598Ser]RRKR

ClinVar aggregate classification (germline): Likely pathogenic (1 of 4 stars; one submission).

Conditions:
Intellectual developmental disorder, autosomal dominant 30, with speech delay and behavioral abnormalities. Also called: Intellectual disability, autosomal dominant 30. Identifiers: Orphanet 436151, MedGen C4015167, MONDO:0014486, OMIM 616083.

Submission:

Institute of Human Genetics, University of Leipzig Medical Center
Classification: Likely pathogenic for Intellectual developmental disorder, autosomal dominant 30, with speech delay and behavioral abnormalities. Last evaluated: 2020-01-10. Review status: criteria provided, single submitter. Criteria: ACMG Guidelines, 2015. Collection method: clinical testing. Allele origin: germline. Affected: yes. Observed: 1 variant allele.
Comment: This variant was identified as de novo (maternity and paternity confirmed).